The following is an entry in ClinVar:

NM_000393.5(COL5A2):c.2849A>G (p.His950Arg)

Gene: COL5A2 (collagen type V alpha 2 chain; minus strand). Cytogenetic location: 2q32.2.
Variant type: single nucleotide variant.
Coding change: c.2849A>G on transcript NM_000393.5 (MANE Select); coding-DNA position 2849, A replaced by G.
Protein change: p.His950Arg; replaces histidine 950 with arginine.
Molecular consequence: missense variant.
Genome position (GRCh38, 1-based): chr2:189,051,402, T>C on the plus strand (A>G on the coding strand, the complement: COL5A2 is on the minus strand). VCF-style: chr2-189051402-T-C. GRCh37 (hg19) VCF-style: chr2-189916128-T-C.
Other names: short protein forms H950R.
Identifiers: ClinVar variation 519689 (VCV000519689.5), dbSNP rs761035694, ClinGen allele CA2022170.

ClinVar aggregate classification (germline): Uncertain significance (1 of 4 stars; one submission).

Conditions:
Familial thoracic aortic aneurysm and aortic dissection (TAAD). Also called: Thoracic aortic aneurysms and dissections. Identifiers: Orphanet 91387, MedGen C4707243, MONDO:0019625.

Allele frequency attached by ClinVar (database versions not stated): gnomAD exomes below 0.00001; ExAC 0.00001.

Submission:

Ambry Genetics
Classification: Uncertain significance for Familial thoracic aortic aneurysm and aortic dissection. Last evaluated: 2024-01-12. Review status: criteria provided, single submitter. Criteria: Ambry Variant Classification Scheme 2023. Collection method: clinical testing. Allele origin: germline.
Comment: The p.H950R variant (also known as c.2849A>G), located in coding exon 42 of the COL5A2 gene, results from an A to G substitution at nucleotide position 2849. The histidine at codon 950 is replaced by arginine, an amino acid with highly similar properties. This amino acid position is not well conserved in available vertebrate species. In addition, the in silico prediction for this alteration is inconclusive. Since supporting evidence is limited at this time, the clinical significance of this alteration remains unclear.